The following is an entry in ClinVar:

ClinVar aggregate classification (germline): Uncertain significance (1 of 4 stars; one submission).

Submission:

Labcorp Genetics (formerly Invitae), Labcorp
Classification: Uncertain significance. Last evaluated: 2024-08-31. Review status: criteria provided, single submitter. Criteria: Invitae Variant Classification Sherloc (09022015). Collection method: clinical testing. Allele origin: germline.
Comment: This sequence change replaces leucine, which is neutral and non-polar, with arginine, which is basic and polar, at codon 1029 of the POLE protein (p.Leu1029Arg). This variant is not present in population databases (gnomAD no frequency). This variant has not been reported in the literature in individuals affected with POLE-related conditions. Invitae Evidence Modeling of protein sequence and biophysical properties (such as structural, functional, and spatial information, amino acid conservation, physicochemical variation, residue mobility, and thermodynamic stability) indicates that this missense variant is expected to disrupt POLE protein function with a positive predictive value of 80%. In summary, the available evidence is currently insufficient to determine the role of this variant in disease. Therefore, it has been classified as a Variant of Uncertain Significance.

NM_006231.4(POLE):c.3086T>G (p.Leu1029Arg)

Gene: POLE (DNA polymerase epsilon, catalytic subunit; minus strand). Cytogenetic location: 12q24.33.
Variant type: single nucleotide variant.
Coding change: c.3086T>G on transcript NM_006231.4 (MANE Select); coding-DNA position 3086, T replaced by G.
Protein change: p.Leu1029Arg; replaces leucine 1029 with arginine.
Molecular consequence: missense variant.
Genome position (GRCh38, 1-based): chr12:132,659,484, A>C on the plus strand (T>G on the coding strand, the complement: POLE is on the minus strand). VCF-style: chr12-132659484-A-C. GRCh37 (hg19) VCF-style: chr12-133236070-A-C.
Other names: short protein forms L1029R.
Identifiers: ClinVar variation 3662818 (VCV003662818.2).
Genomic context (GRCh38, chr12:132,659,484, plus strand): 5'-TGCTCCCCGTAATCTTCCAGCTTCCGAGACATGGAACGGTTCTCAGAGATGAGCTCGAAT[A>C]GCTCAGAGTCAGGCATGTTGGCTGCCTAGAGAAAGACAATGGGTAAAACACTGCAGAAAT-3'
Protein context (NP_006222.2, residues 1019-1039): SKAANMPDSE[Leu1029Arg]FELISENRSM